The following is an entry in ClinVar:

NM_001035.3(RYR2):c.11284G>C (p.Gly3762Arg)

Gene: RYR2 (ryanodine receptor 2; plus strand). Cytogenetic location: 1q43.
Variant type: single nucleotide variant.
Coding change: c.11284G>C on transcript NM_001035.3 (MANE Select); coding-DNA position 11284, G replaced by C.
Protein change: p.Gly3762Arg; replaces glycine 3762 with arginine.
Molecular consequence: missense variant.
Genome position (GRCh38, 1-based): chr1:237,757,735, G>C. VCF-style: chr1-237757735-G-C. GRCh37 (hg19) VCF-style: chr1-237921035-G-C.
Other names: short protein forms G3762R.
Identifiers: ClinVar variation 3633827 (VCV003633827.2).
Genomic context (GRCh38, chr1:237,757,735, plus strand): 5'-ACTACTTTTTTATATTTCTTAGGTGAAACTGGACCAATGGTAGCAGCTACTCTGAAACTT[G>C]GAATTGCTATTTTAAATGGTGGGAACTCCACAGTACAGCAGGTAACAGCTTCCAGTCATT-3'
Protein context (NP_001026.2, residues 3752-3772): GPMVAATLKL[Gly3762Arg]IAILNGGNST

ClinVar aggregate classification (germline): Uncertain significance (1 of 4 stars; one submission).

Conditions:
Catecholaminergic polymorphic ventricular tachycardia 1. Also called: VENTRICULAR TACHYCARDIA, CATECHOLAMINERGIC POLYMORPHIC, 1, WITH OR WITHOUT ATRIAL DYSFUNCTION AND/OR DILATED CARDIOMYOPATHY; RYR2-Related Catecholaminergic Polymorphic Ventricular Tachycardia; VENTRICULAR TACHYCARDIA, STRESS-INDUCED POLYMORPHIC 1. Identifiers: Orphanet 3286, MedGen C1631597, MONDO:0011484, OMIM 604772.

Submission:

Labcorp Genetics (formerly Invitae), Labcorp
Classification: Uncertain significance for Catecholaminergic polymorphic ventricular tachycardia 1. Last evaluated: 2024-10-28. Review status: criteria provided, single submitter. Criteria: Invitae Variant Classification Sherloc (09022015). Collection method: clinical testing. Allele origin: germline.
Comment: This sequence change replaces glycine, which is neutral and non-polar, with arginine, which is basic and polar, at codon 3762 of the RYR2 protein (p.Gly3762Arg). This variant is not present in population databases (gnomAD no frequency). This variant has not been reported in the literature in individuals affected with RYR2-related conditions. Invitae Evidence Modeling of protein sequence and biophysical properties (such as structural, functional, and spatial information, amino acid conservation, physicochemical variation, residue mobility, and thermodynamic stability) indicates that this missense variant is expected to disrupt RYR2 protein function with a positive predictive value of 95%. In summary, the available evidence is currently insufficient to determine the role of this variant in disease. Therefore, it has been classified as a Variant of Uncertain Significance.